The following is an entry in ClinVar:

ClinVar aggregate classification (germline): Uncertain significance (1 of 4 stars; one submission).

Conditions:
Progressive encephalopathy with leukodystrophy due to DECR deficiency. Identifiers: Orphanet 431361, MedGen C1857252, MONDO:0014464, OMIM 616034.

Submission:

Labcorp Genetics (formerly Invitae), Labcorp
Classification: Uncertain significance for Progressive encephalopathy with leukodystrophy due to DECR deficiency. Last evaluated: 2023-04-23. Review status: criteria provided, single submitter. Criteria: Invitae Variant Classification Sherloc (09022015). Collection method: clinical testing. Allele origin: germline.
Comment: This sequence change replaces glycine, which is neutral and non-polar, with valine, which is neutral and non-polar, at codon 190 of the NADK2 protein (p.Gly190Val). This variant is not present in population databases (gnomAD no frequency). This variant has not been reported in the literature in individuals affected with NADK2-related conditions. Advanced modeling of protein sequence and biophysical properties (such as structural, functional, and spatial information, amino acid conservation, physicochemical variation, residue mobility, and thermodynamic stability) performed at Invitae indicates that this missense variant is expected to disrupt NADK2 protein function. In summary, the available evidence is currently insufficient to determine the role of this variant in disease. Therefore, it has been classified as a Variant of Uncertain Significance.

NM_001085411.3(NADK2):c.569G>T (p.Gly190Val)

Gene: NADK2 (NAD kinase 2, mitochondrial; minus strand). Cytogenetic location: 5p13.2.
Variant type: single nucleotide variant.
Coding change: c.569G>T on transcript NM_001085411.3 (MANE Select); coding-DNA position 569, G replaced by T.
Protein change: p.Gly190Val; replaces glycine 190 with valine.
Molecular consequence: missense variant.
Genome position (GRCh38, 1-based): chr5:36,219,671, C>A on the plus strand (G>T on the coding strand, the complement: NADK2 is on the minus strand). VCF-style: chr5-36219671-C-A. GRCh37 (hg19) VCF-style: chr5-36219773-C-A.
Other names: c.80G>T, p.Gly27Val (NM_001287340.2, NM_001287341.2, NM_153013.5); short protein forms G190V, G27V.
Identifiers: ClinVar variation 2890982 (VCV002890982.3), dbSNP rs2546196863, ClinGen allele CA359455627.